The following is an entry in ClinVar:

ClinVar aggregate classification (germline): Uncertain significance (1 of 4 stars; one submission).

Allele frequency attached by ClinVar (database versions not stated): gnomAD 0.00001; gnomAD exomes 0.00002 and 0.00003; TOPMed 0.00002; ExAC 0.00003.
gnomAD v4.1: 23 of 1,612,272 alleles (0.0014%); highest among the groups gnomAD compares: Non-Finnish European, 0.0019%; no homozygotes.

Submission:

Labcorp Genetics (formerly Invitae), Labcorp
Classification: Uncertain significance. Last evaluated: 2025-04-28. Review status: criteria provided, single submitter. Criteria: Invitae Variant Classification Sherloc (09022015). Collection method: clinical testing. Allele origin: germline.
Comment: This sequence change replaces serine, which is neutral and polar, with phenylalanine, which is neutral and non-polar, at codon 24 of the MAP3K8 protein (p.Ser24Phe). This variant is present in population databases (rs776014707, gnomAD 0.004%). This variant has not been reported in the literature in individuals affected with MAP3K8-related conditions. ClinVar contains an entry for this variant (Variation ID: 1512992). An algorithm developed to predict the effect of missense changes on protein structure and function (PolyPhen-2) suggests that this variant is likely to be disruptive. In summary, the available evidence is currently insufficient to determine the role of this variant in disease. Therefore, it has been classified as a Variant of Uncertain Significance.

NM_005204.4(MAP3K8):c.71C>T (p.Ser24Phe)

Gene: MAP3K8 (mitogen-activated protein kinase kinase kinase 8; plus strand). Cytogenetic location: 10p11.23.
Variant type: single nucleotide variant.
Coding change: c.71C>T on transcript NM_005204.4 (MANE Select); coding-DNA position 71, C replaced by T.
Protein change: p.Ser24Phe; replaces serine 24 with phenylalanine.
Molecular consequence: missense variant.
Genome position (GRCh38, 1-based): chr10:30,439,009, C>T. VCF-style: chr10-30439009-C-T. GRCh37 (hg19) VCF-style: chr10-30727938-C-T.
Other names: c.71C>T, p.Ser24Phe (NM_001244134.1, NM_001320961.2); short protein forms S24F.
Identifiers: ClinVar variation 1512992 (VCV001512992.6), dbSNP rs776014707, ClinGen allele CA5459578.